The following is an entry in ClinVar:

NM_002150.3(HPD):c.813C>T (p.Thr271=)

Genes: HPD (4-hydroxyphenylpyruvate dioxygenase; minus strand), TIALD (transcript inducer of AURKA lysosomal degradation; plus strand). Cytogenetic location: 12q24.31.
Variant type: single nucleotide variant.
Coding change: c.813C>T on transcript NM_002150.3 (MANE Select); coding-DNA position 813, C replaced by T.
Protein change: p.Thr271=; no amino-acid change (threonine 271 retained).
Molecular consequence: synonymous variant.
Genome position (GRCh38, 1-based): chr12:121,846,880, G>A on the plus strand (C>T on the coding strand, the complement: HPD is on the minus strand). VCF-style: chr12-121846880-G-A. GRCh37 (hg19) VCF-style: chr12-122284786-G-A.
Other names: c.696C>T, p.Thr232= (NM_001171993.2).
Identifiers: ClinVar variation 459972 (VCV000459972.19), dbSNP rs144416002, ClinGen allele CA6839527.
Genomic context (GRCh38, chr12:121,846,880, plus strand): 5'-TCTGAATGAGAGAGGAATTCGGACAGGGAAGGGGGTTCTAACCGCTGTGATGATGTCTTC[G>A]GTCTTGAGAGCGATGTGCTGGACCCCAGCGCCCCCGTTATAGTCCACATATTCCTGGGGG-3'
Protein context (NP_002141.2, residues 261-281): GAGVQHIALK[Thr271=]EDIITAIRHL

ClinVar aggregate classification (germline): Benign/Likely benign. Review status: criteria provided, multiple submitters, no conflicts (2 of 4 stars). 4 submissions from 4 submitters: Benign (1); Likely benign (3). Last evaluated 2026-02-02.

Conditions:
Hawkinsinuria. Identifiers: Orphanet 2118, MedGen C2931042, MONDO:0007700, OMIM 140350, HP:0034457.
Tyrosinemia type III. Also called: 4-HYDROXYPHENYLPYRUVIC ACID OXIDASE DEFICIENCY; Tyrosinemia type 3; 4-alpha hydroxyphenylpyruvic acid oxidase deficiency; 4-alpha hydroxyphenylpyruvate dioxygenase deficiency; 4-Hydroxyphenylpyruvate dioxygenase deficiency. Identifiers: Orphanet 69723, MedGen C0268623, MONDO:0010162, OMIM 276710.
HPD-related disorder. Also called: HPD-related condition.

Allele frequency attached by ClinVar (database versions not stated): gnomAD exomes 0.00021 and 0.00048; ExAC 0.00053; ESP Exome Variant Server 0.00115; 1000 Genomes Project 0.00180; gnomAD 0.00194 and 0.00209; TOPMed 0.00204; 1000 Genomes Project 30x 0.00234.
gnomAD v4.1: 609 of 1,614,084 alleles (0.038%); highest among the groups gnomAD compares: African/African-American, 0.73%; 2 homozygotes.

Submissions (4):

Labcorp Genetics (formerly Invitae), Labcorp
Classification: Benign for Tyrosinemia type III; Hawkinsinuria. Last evaluated: 2026-02-02. Review status: criteria provided, single submitter. Criteria: Invitae Variant Classification Sherloc (09022015). Collection method: clinical testing. Allele origin: germline.

CeGaT Center for Human Genetics Tuebingen
Classification: Likely benign. Last evaluated: 2025-11-01. Review status: criteria provided, single submitter. Criteria: CeGaT Center For Human Genetics Tuebingen Variant Classification Criteria Version 2. Collection method: clinical testing. Allele origin: germline. Affected: yes. Observed: 1 variant allele.
Comment: HPD: BP4, BP7

PreventionGenetics, part of Exact Sciences
Classification: Likely benign for HPD-related condition. Last evaluated: 2025-09-30. Review status: criteria provided, single submitter. Criteria: ACMG Guidelines, 2015. Collection method: clinical testing. Allele origin: germline.
Comment: This variant is classified as likely benign based on ACMG/AMP sequence variant interpretation guidelines (Richards et al. 2015 PMID: 25741868, with internal and published modifications).

Fulgent Genetics
Classification: Likely benign for Hawkinsinuria; Tyrosinemia type III. Last evaluated: 2021-10-13. Review status: criteria provided, single submitter. Criteria: ACMG Guidelines, 2015. Collection method: clinical testing. Allele origin: unknown.